The following is an entry in ClinVar:

ClinVar aggregate classification (germline): Pathogenic (1 of 4 stars; one submission).

Conditions:
Junctional epidermolysis bullosa. Identifiers: Orphanet 305, MedGen C0079301, MONDO:0017612.

Submission:

Myriad Genetics, Inc.
Classification: Pathogenic for Junctional epidermolysis bullosa. Last evaluated: 2024-04-09. Review status: criteria provided, single submitter. Criteria: Myriad Autosomal Dominant, Autosomal Recessive and X-Linked Classification Criteria (2023). Collection method: clinical testing. Allele origin: unknown.
Comment: NM_000228.2(LAMB3):c.2755delC(L919Cfs*14) is expected to be pathogenic in the context of junctional epidermolysis bullosa, LAMB3-related. This variant is predicted to lead to an abnormal or absent protein product due to the creation of a premature termination codon in LAMB3, a gene where loss-of-function variants are known to be pathogenic. Please note: this variant was assessed in the context of healthy population screening.

NM_000228.3(LAMB3):c.2755del (p.Leu919fs)

Gene: LAMB3 (laminin subunit beta 3; minus strand). Cytogenetic location: 1q32.2.
Variant type: Deletion.
Coding change: c.2755del on transcript NM_000228.3 (MANE Select); coding-DNA position 2755, one base deleted (C; older notation c.2755delC).
Protein change: p.Leu919fs; shifts the reading frame from leucine 919.
Molecular consequence: frameshift variant.
Genome position (GRCh38, 1-based): chr1:209,618,606, G deleted on the plus strand (C on the coding strand, the reverse complement: LAMB3 is on the minus strand); the first of 3 consecutive G bases (chr1:209,618,606-209,618,608); deleting any one gives the same sequence. VCF-style (leftmost placement, unchanged base first): chr1-209618605-AG-A. GRCh37 (hg19) VCF-style: chr1-209791950-AG-A.
Other names: c.2755del, p.Leu919fs (NM_001017402.2, NM_001127641.1); short protein forms L919fs.
Identifiers: ClinVar variation 5012905 (VCV005012905.1).